The following is an entry in ClinVar:

ClinVar aggregate classification (germline): other (0 of 4 stars; one submission).

Conditions:
Familial colorectal cancer. Identifiers: MedGen CN280943, MONDO:0023113. Disease mechanism: loss of function.

Submission:

Systems Biology Platform Zhejiang California International NanoSystems Institute
Classification: other for Familial colorectal cancer. Review status: no assertion criteria provided. Collection method: not provided. Allele origin: unknown.
ClinVar note: Converted during submission from cancer to other.

NM_000038.6(APC):c.834+5415G>T

Gene: APC (APC regulator of WNT signaling pathway; plus strand). Cytogenetic location: 5q22.2.
Variant type: single nucleotide variant.
Coding change: c.834+5415G>T on transcript NM_000038.6 (MANE Select); 5415 bases into the intron after coding-DNA position 834, G replaced by T.
Molecular consequence: intron variant.
Genome position (GRCh38, 1-based): chr5:112,806,798, G>T. VCF-style: chr5-112806798-G-T. GRCh37 (hg19) VCF-style: chr5-112142495-G-T.
Other names: c.834+5415G>T (NM_001354895.2, NM_001127510.3, NM_001354896.2 and 1 more transcripts); c.864+5415G>T (NM_001354897.2, NM_001354902.2); c.780+5415G>T (NM_001127511.3); c.759+5415G>T (NM_001354898.2, NM_001354904.2); c.-201-3328G>T (NM_001354906.2); c.750+5415G>T (NM_001354899.2); c.657+5415G>T (NM_001354900.2, NM_001354901.2, NM_001354905.2).
Identifiers: ClinVar variation 83067 (VCV000083067.2), dbSNP rs77207984, ClinGen allele CA014904.